The following is an entry in ClinVar:

NM_213599.3(ANO5):c.1640G>A (p.Arg547Gln)

Gene: ANO5 (anoctamin 5; plus strand). Cytogenetic location: 11p14.3.
Variant type: single nucleotide variant.
Coding change: c.1640G>A on transcript NM_213599.3 (MANE Select); coding-DNA position 1640, G replaced by A.
Protein change: p.Arg547Gln; replaces arginine 547 with glutamine.
Molecular consequence: missense variant.
Genome position (GRCh38, 1-based): chr11:22,262,138, G>A. VCF-style: chr11-22262138-G-A. GRCh37 (hg19) VCF-style: chr11-22283684-G-A.
Other names: p.Arg547Gln; c.1637G>A, p.Arg546Gln (NM_001142649.2); short protein forms R547Q, R546Q.
Identifiers: ClinVar variation 282394 (VCV000282394.23), dbSNP rs139618850, ClinGen allele CA5923316.
Genomic context (GRCh38, chr11:22,262,138, plus strand): 5'-TCAAGGAAAAAAATAAGAAGATGCACTAAACATTTTTTTTTAACTTAACAGAAATTCCTC[G>A]AACATACCAGGAGTATGAGAGCAGTCTTACCTTGAAAATGTTCCTGTTTCAGTTTGTAAA-3'
Protein context (NP_998764.1, residues 537-557): SAWITKMEIP[Arg547Gln]TYQEYESSLT

ClinVar aggregate classification (germline): Pathogenic/Likely pathogenic. Review status: criteria provided, multiple submitters, no conflicts (2 of 4 stars). 8 submissions from 8 submitters: Pathogenic (3); Likely pathogenic (3). 2 of the submissions do not count toward it. Last evaluated 2025-11-04.

Conditions:
Gnathodiaphyseal dysplasia (GDD). Also called: GNATHODIAPHYSEAL SCLEROSIS; OSTEOGENESIS IMPERFECTA WITH UNUSUAL SKELETAL LESIONS. Identifiers: Orphanet 53697, MedGen C1833736, MONDO:0008151, OMIM 166260.
Autosomal recessive limb-girdle muscular dystrophy type 2L (LGMDR12). Also called: Limb-girdle muscular dystrophy, type 2L; MUSCULAR DYSTROPHY, LIMB-GIRDLE, AUTOSOMAL RECESSIVE 12; Limb-Girdle Muscular Dystrophy R12 Anoctamin-5-Related (LGMD-R12). Identifiers: Orphanet 206549, MedGen C1969785, MONDO:0012652, OMIM 611307.
ANO5-related disorder. Also called: ANO5-related condition; ANO5-related disorders. Identifiers: MedGen CN239193.
Autosomal recessive limb-girdle muscular dystrophy. Identifiers: Orphanet 102015, MedGen C2931907, MONDO:0015152.
Miyoshi muscular dystrophy 3 (MMD3). Also called: Miyoshi myopathy 3; Miyoshi Muscular Dystrophy 3 (MMD3). Identifiers: Orphanet 399096, MedGen C2750076, MONDO:0013222, OMIM 613319.

Allele frequency attached by ClinVar (database versions not stated): gnomAD 0.00009 and 0.00015; TOPMed 0.00012; gnomAD exomes 0.00014 and 0.00019; ExAC 0.00019; ESP Exome Variant Server 0.00031; 1000 Genomes Project 30x 0.00078; 1000 Genomes Project 0.00100.
gnomAD v4.1: 294 of 1,613,398 alleles (0.018%); highest among the groups gnomAD compares: East Asian, 0.52%; 2 homozygotes.

Submissions (8):

Labcorp Genetics (formerly Invitae), Labcorp
Classification: Pathogenic for Autosomal recessive limb-girdle muscular dystrophy type 2L; Gnathodiaphyseal dysplasia. Last evaluated: 2025-11-04. Review status: criteria provided, single submitter. Criteria: Invitae Variant Classification Sherloc (09022015). Collection method: clinical testing. Allele origin: germline.
Comment: This sequence change replaces arginine, which is basic and polar, with glutamine, which is neutral and polar, at codon 547 of the ANO5 protein (p.Arg547Gln). This variant is present in population databases (rs139618850, gnomAD 0.1%). This missense change has been observed in individual(s) with autosomal recessive limb-girdle muscular dystrophy (PMID: 23606453, 23607914, 25891276, 30564623, 31350120). In at least one individual the data is consistent with being in trans (on the opposite chromosome) from a pathogenic variant. It has also been observed to segregate with disease in related individuals. ClinVar contains an entry for this variant (Variation ID: 282394). Invitae Evidence Modeling of protein sequence and biophysical properties (such as structural, functional, and spatial information, amino acid conservation, physicochemical variation, residue mobility, and thermodynamic stability) has been performed for this missense variant. However, the output from this modeling did not meet the statistical confidence thresholds required to predict the impact of this variant on ANO5 protein function. Algorithms developed to predict the effect of sequence changes on RNA splicing suggest that this variant may disrupt the consensus splice site. For these reasons, this variant has been classified as Pathogenic.

Fulgent Genetics
Classification: Pathogenic for Gnathodiaphyseal dysplasia; Autosomal recessive limb-girdle muscular dystrophy type 2L; Miyoshi muscular dystrophy 3. Last evaluated: 2024-04-15. Review status: criteria provided, single submitter. Criteria: ACMG Guidelines, 2015. Collection method: clinical testing. Allele origin: germline.

Revvity Omics, Revvity
Classification: Likely pathogenic. Last evaluated: 2024-02-26. Review status: criteria provided, single submitter. Criteria: ACMG Guidelines, 2015. Collection method: clinical testing. Allele origin: germline.

Mayo Clinic Laboratories, Mayo Clinic
Classification: Likely pathogenic. Last evaluated: 2024-02-22. Review status: criteria provided, single submitter. Criteria: ACMG Guidelines, 2015. Collection method: clinical testing. Allele origin: germline. Observed: 1 variant allele.
Comment: PM2, PM3_supporting, PS3

Women's Health and Genetics/Laboratory Corporation of America, LabCorp
Classification: Pathogenic for Autosomal recessive limb-girdle muscular dystrophy. Last evaluated: 2023-07-26. Review status: criteria provided, single submitter. Criteria: LabCorp Variant Classification Summary - May 2015. Collection method: clinical testing. Allele origin: germline.
Comment: Variant summary: ANO5 c.1640G>A (p.Arg547Gln) results in a conservative amino acid change in the encoded protein sequence. Four of five in-silico tools predict a damaging effect of the variant on protein function. The variant allele was found at a frequency of 0.00014 in 250836 control chromosomes in gnomAD. This frequency is not significantly higher than estimated for a pathogenic variant in ANO5 causing Autosomal Recessive Limb-Girdle Muscular Dystrophy (0.00014 vs 0.0047), allowing no conclusion about variant significance. c.1640G>A has been reported at a compound heterozygous state along with a second apparently pathogenic variant in multiple individuals affected with Autosomal Recessive Limb-Girdle Muscular Dystrophy or Anoctaminopathy (examples: vanderKooi_2013, Cai_2019, TenDam_2019). These data indicate that the variant is very likely to be associated with disease. At least one publication reports experimental evidence evaluating an impact on protein function. The most pronounced variant effect results in loss of normal electrophysiological characters in a HEK293-based expression system consistent with an incompatible TMEM16E (ANO5) protein activity (DiZanni_2020). The following publications have been ascertained in the context of this evaluation (PMID: 31350120, 32112655, 30919934, 23607914). Five submitters have cited clinical-significance assessments for this variant to ClinVar after 2014 (Pathogenic: n=1; Likely pathogenic: n=1; Affects: n=1; Uncertain significance: n=2). Based on the evidence outlined above, the variant was classified as pathogenic.

Blueprint Genetics
Classification: Likely pathogenic for ANO5-related disorders. Last evaluated: 2022-08-04. Review status: criteria provided, single submitter. Criteria: ACMG Guidelines, 2015. Collection method: clinical testing. Allele origin: germline. Affected: yes. Observed: 5 variant alleles.

Department of Rehabilitation Medicine, Incheon St. Mary’s Hospital, College of Medicine, The Catholic University of Korea
Classification: Affects for Miyoshi muscular dystrophy 3; Autosomal recessive limb-girdle muscular dystrophy type 2L. Last evaluated: 2019-02-11. Review status: no assertion criteria provided. Collection method: research. Allele origin: paternal. Inheritance: Autosomal recessive inheritance. Affected: yes. Observed: 1 compound heterozygote. Not counted in ClinVar's aggregate classification.

Eurofins Ntd Llc (ga)
Classification: Uncertain significance. Last evaluated: 2015-08-04. Review status: flagged submission. Criteria: EGL Classification Definitions 2015. Collection method: clinical testing. Allele origin: germline. Observed: 2 variant alleles, 2 heterozygotes. Not counted in ClinVar's aggregate classification.
ClinVar note: Reason: Older and outlier claim with insufficient supporting evidence

Literature cited by the submitters: PubMed 23606453 (cited by Labcorp Genetics (formerly Invitae), Labcorp and Mayo Clinic Laboratories, Mayo Clinic); PubMed 23607914 (cited by 3 submitters); PubMed 25891276 (cited by Labcorp Genetics (formerly Invitae), Labcorp and Mayo Clinic Laboratories, Mayo Clinic); PubMed 30564623 (cited by Labcorp Genetics (formerly Invitae), Labcorp and Mayo Clinic Laboratories, Mayo Clinic); PubMed 31350120 (cited by 3 submitters); PubMed 30919934 (cited by Mayo Clinic Laboratories, Mayo Clinic and Women's Health and Genetics/Laboratory Corporation of America, LabCorp); PubMed 31475473 (cited by Mayo Clinic Laboratories, Mayo Clinic); PubMed 32112655 (cited by Mayo Clinic Laboratories, Mayo Clinic and Women's Health and Genetics/Laboratory Corporation of America, LabCorp); PubMed 36292621 (cited by Mayo Clinic Laboratories, Mayo Clinic).